The following is an entry in ClinVar:

ClinVar aggregate classification (germline): Uncertain significance (1 of 4 stars; one submission).

Conditions:
Giant axonal neuropathy 1 (GAN1). Also called: GIANT AXONAL NEUROPATHY 1, AUTOSOMAL RECESSIVE; GAN-Related Neurodegeneration. Identifiers: Orphanet 643, MedGen C1850386, MONDO:0009749, OMIM 256850.

Submission:

Labcorp Genetics (formerly Invitae), Labcorp
Classification: Uncertain significance for Giant axonal neuropathy. Last evaluated: 2018-06-15. Review status: criteria provided, single submitter. Criteria: Invitae Variant Classification Sherloc (09022015). Collection method: clinical testing. Allele origin: germline.
Comment: This sequence change replaces serine with proline at codon 517 of the GAN protein (p.Ser517Pro). The serine residue is moderately conserved and there is a moderate physicochemical difference between serine and proline. This variant is not present in population databases (ExAC no frequency). This variant has not been reported in the literature in individuals with GAN-related disease. Algorithms developed to predict the effect of missense changes on protein structure and function do not agree on the potential impact of this missense change (SIFT: "Tolerated"; PolyPhen-2: "Possibly Damaging"; Align-GVGD: "Class C0"). In summary, the available evidence is currently insufficient to determine the role of this variant in disease. Therefore, it has been classified as a Variant of Uncertain Significance.

NM_022041.4(GAN):c.1549T>C (p.Ser517Pro)

Gene: GAN (gigaxonin; plus strand). Cytogenetic location: 16q23.2.
Variant type: single nucleotide variant.
Coding change: c.1549T>C on transcript NM_022041.4 (MANE Select); coding-DNA position 1549, T replaced by C.
Protein change: p.Ser517Pro; replaces serine 517 with proline.
Molecular consequence: missense variant.
Genome position (GRCh38, 1-based): chr16:81,377,265, T>C. VCF-style: chr16-81377265-T-C. GRCh37 (hg19) VCF-style: chr16-81410870-T-C.
Other names: c.910T>C, p.Ser304Pro (NM_001377486.1); short protein forms S517P, S304P.
Identifiers: ClinVar variation 571799 (VCV000571799.1), dbSNP rs1567501233, ClinGen allele CA396892105.